The following is an entry in ClinVar:

NM_177438.3(DICER1):c.307+4A>G

Gene: DICER1 (dicer 1, ribonuclease III; minus strand). Cytogenetic location: 14q32.13.
Variant type: single nucleotide variant.
Coding change: c.307+4A>G on transcript NM_177438.3 (MANE Select); 4 bases into the intron after coding-DNA position 307, A replaced by G.
Molecular consequence: intron variant.
Genome position (GRCh38, 1-based): chr14:95,132,511, T>C on the plus strand (A>G on the coding strand, the complement: DICER1 is on the minus strand). VCF-style: chr14-95132511-T-C. GRCh37 (hg19) VCF-style: chr14-95598848-T-C.
Other names: c.307+4A>G (NM_001291628.2, NM_030621.4, NM_001395677.1 and 14 more transcripts); c.33+4A>G (NM_001395690.1, NM_001395687.1, NM_001395689.1 and 4 more transcripts); c.-152+4A>G (NM_001395691.1); c.-1262+4A>G (NM_001395697.1).
Identifiers: ClinVar variation 3664818 (VCV003664818.2).

ClinVar aggregate classification (germline): Uncertain significance (1 of 4 stars; one submission).

Conditions:
DICER1-related tumor predisposition. Also called: DICER1-related pleuropulmonary blastoma cancer predisposition syndrome; DICER1 syndrome. Identifiers: Orphanet 284343, MedGen C3839822, MONDO:0100216.

gnomAD v4.1: 1 of 1,613,884 alleles (0.000062%); highest among the groups gnomAD compares: African/African-American, 0.0013%; no homozygotes.

Submission:

Labcorp Genetics (formerly Invitae), Labcorp
Classification: Uncertain significance for DICER1-related tumor predisposition. Last evaluated: 2024-09-06. Review status: criteria provided, single submitter. Criteria: Invitae Variant Classification Sherloc (09022015). Collection method: clinical testing. Allele origin: germline.
Comment: This sequence change falls in intron 3 of the DICER1 gene. It does not directly change the encoded amino acid sequence of the DICER1 protein. It affects a nucleotide within the consensus splice site. This variant is not present in population databases (gnomAD no frequency). This variant has not been reported in the literature in individuals affected with DICER1-related conditions. Variants that disrupt the consensus splice site are a relatively common cause of aberrant splicing (PMID: 17576681, 9536098). Algorithms developed to predict the effect of sequence changes on RNA splicing suggest that this variant may disrupt the consensus splice site. In summary, the available evidence is currently insufficient to determine the role of this variant in disease. Therefore, it has been classified as a Variant of Uncertain Significance.

Literature cited by the submitters: PubMed 17576681; PubMed 9536098.